The following is an entry in ClinVar:

NM_001376.5(DYNC1H1):c.8507G>A (p.Arg2836Lys)

Gene: DYNC1H1 (dynein cytoplasmic 1 heavy chain 1; plus strand). Cytogenetic location: 14q32.31.
Variant type: single nucleotide variant.
Coding change: c.8507G>A on transcript NM_001376.5 (MANE Select); coding-DNA position 8507, G replaced by A.
Protein change: p.Arg2836Lys; replaces arginine 2836 with lysine.
Molecular consequence: missense variant.
Genome position (GRCh38, 1-based): chr14:102,020,056, G>A. VCF-style: chr14-102020056-G-A. GRCh37 (hg19) VCF-style: chr14-102486393-G-A.
Other names: short protein forms R2836K.
Identifiers: ClinVar variation 1022385 (VCV001022385.8), dbSNP rs2048367430, ClinGen allele CA391006971.

ClinVar aggregate classification (germline): Uncertain significance (1 of 4 stars; one submission).

Conditions:
Charcot-Marie-Tooth disease axonal type 2O. Also called: CHARCOT-MARIE-TOOTH NEUROPATHY, AXONAL, TYPE 2O; CHARCOT-MARIE-TOOTH DISEASE, AXONAL, AUTOSOMAL DOMINANT, TYPE 2O; Charcot-Marie-Tooth Neuropathy Type 2O; Charcot-Marie-Tooth disease, axonal, type 20. Identifiers: Orphanet 284232, MedGen C3280220, MONDO:0013644, OMIM 614228.

Submission:

Labcorp Genetics (formerly Invitae), Labcorp
Classification: Uncertain significance for Charcot-Marie-Tooth disease axonal type 2O. Last evaluated: 2020-09-28. Review status: criteria provided, single submitter. Criteria: Invitae Variant Classification Sherloc (09022015). Collection method: clinical testing. Allele origin: germline.
Comment: In summary, the available evidence is currently insufficient to determine the role of this variant in disease. Therefore, it has been classified as a Variant of Uncertain Significance. Algorithms developed to predict the effect of sequence changes on RNA splicing suggest that this variant may disrupt the consensus splice site, but this prediction has not been confirmed by published transcriptional studies. Algorithms developed to predict the effect of missense changes on protein structure and function are either unavailable or do not agree on the potential impact of this missense change (SIFT: "Deleterious"; PolyPhen-2: "Probably Damaging"; Align-GVGD: "Class C0"). This variant has not been reported in the literature in individuals with DYNC1H1-related conditions. This variant is not present in population databases (ExAC no frequency). This sequence change replaces arginine with lysine at codon 2836 of the DYNC1H1 protein (p.Arg2836Lys). The arginine residue is highly conserved and there is a small physicochemical difference between arginine and lysine.